The following is an entry in ClinVar:

NM_005862.3(STAG1):c.1339G>A (p.Ala447Thr)

Gene: STAG1 (STAG1 cohesin complex component; minus strand). Cytogenetic location: 3q22.3.
Variant type: single nucleotide variant.
Coding change: c.1339G>A on transcript NM_005862.3 (MANE Select); coding-DNA position 1339, G replaced by A.
Protein change: p.Ala447Thr; replaces alanine 447 with threonine.
Molecular consequence: missense variant.
Genome position (GRCh38, 1-based): chr3:136,452,122, C>T on the plus strand (G>A on the coding strand, the complement: STAG1 is on the minus strand). VCF-style: chr3-136452122-C-T. GRCh37 (hg19) VCF-style: chr3-136170964-C-T.
Other names: c.1339G>A (NM_005862.2); short protein forms A447T.
Identifiers: ClinVar variation 2874245 (VCV002874245.4), dbSNP rs368370031, ClinGen allele CA83821942.

ClinVar aggregate classification (germline): Uncertain significance. Review status: criteria provided, multiple submitters, no conflicts (2 of 4 stars). 2 submissions from 2 submitters: Uncertain significance (2). Last evaluated 2025-12-11.

Conditions:
Inborn genetic diseases. Identifiers: MedGen C0950123, MeSH D030342.

Allele frequency attached by ClinVar (database versions not stated): gnomAD exomes below 0.00001; gnomAD 0.00002; TOPMed 0.00002; ESP Exome Variant Server 0.00008.
gnomAD v4.1: 6 of 1,613,068 alleles (0.00037%); highest among the groups gnomAD compares: African/African-American, 0.0054%; no homozygotes.

Submissions (2):

Ambry Genetics
Classification: Uncertain significance for Inborn genetic diseases. Last evaluated: 2025-12-11. Review status: criteria provided, single submitter. Criteria: Ambry Variant Classification Scheme 2023. Collection method: clinical testing. Allele origin: germline.

Labcorp Genetics (formerly Invitae), Labcorp
Classification: Uncertain significance. Last evaluated: 2025-10-02. Review status: criteria provided, single submitter. Criteria: Invitae Variant Classification Sherloc (09022015). Collection method: clinical testing. Allele origin: germline.
Comment: This sequence change replaces alanine, which is neutral and non-polar, with threonine, which is neutral and polar, at codon 447 of the STAG1 protein (p.Ala447Thr). This variant is not present in population databases (gnomAD no frequency). This variant has not been reported in the literature in individuals affected with STAG1-related conditions. ClinVar contains an entry for this variant (Variation ID: 2874245). Invitae Evidence Modeling of protein sequence and biophysical properties (such as structural, functional, and spatial information, amino acid conservation, physicochemical variation, residue mobility, and thermodynamic stability) indicates that this missense variant is not expected to disrupt STAG1 protein function with a negative predictive value of 95%. In summary, the available evidence is currently insufficient to determine the role of this variant in disease. Therefore, it has been classified as a Variant of Uncertain Significance.